The following is an entry in ClinVar:

ClinVar aggregate classification (germline): Likely benign (0 of 4 stars; one submission).

Conditions:
PCDHA9-related disorder. Also called: PCDHA9-related condition.

Allele frequency attached by ClinVar (database versions not stated): gnomAD exomes 0.00003; gnomAD 0.00008; 1000 Genomes Project 30x 0.00047; TOPMed 0.00004.
gnomAD v4.1: 60 of 1,597,956 alleles (0.0038%); highest among the groups gnomAD compares: East Asian, 0.11%; 2 homozygotes.

Submission:

PreventionGenetics, part of Exact Sciences
Classification: Likely benign for PCDHA9-related condition. Last evaluated: 2020-09-30. Review status: no assertion criteria provided. Collection method: clinical testing. Allele origin: germline.
Comment: This variant is classified as likely benign based on ACMG/AMP sequence variant interpretation guidelines (Richards et al. 2015 PMID: 25741868, with internal and published modifications).

NM_031857.2(PCDHA9):c.1907C>T (p.Ala636Val)

Genes: PCDHA1 (protocadherin alpha 1; plus strand), PCDHA2 (protocadherin alpha 2; plus strand), PCDHA3 (protocadherin alpha 3; plus strand), PCDHA4 (protocadherin alpha 4; plus strand), PCDHA5 (protocadherin alpha 5; plus strand) and 5 more. Cytogenetic location: 5q31.3.
Variant type: single nucleotide variant.
Coding change: c.1907C>T on transcript NM_031857.2 (MANE Select); coding-DNA position 1907, C replaced by T.
Protein change: p.Ala636Val; replaces alanine 636 with valine.
Molecular consequence: missense variant. On other transcripts: intron variant (10).
Genome position (GRCh38, 1-based): chr5:140,850,402, C>T. VCF-style: chr5-140850402-C-T. GRCh37 (hg19) VCF-style: chr5-140229987-C-T.
Other names: c.1907C>T, p.Ala636Val (NM_014005.5); c.2394+61718C>T (NM_018900.4); c.1602+62510C>T (NM_031411.3); c.2388+53050C>T (NM_018905.3); c.2394+46811C>T (NM_018906.3); c.2385+40830C>T (NM_018907.4); c.2352+26275C>T (NM_018908.3); c.2394+19917C>T (NM_018909.4); and 3 more; short protein forms A636V.
Identifiers: ClinVar variation 3031697 (VCV003031697.2), dbSNP rs373454378, ClinGen allele CA3450650.